The following is an entry in ClinVar:

NM_003119.4(SPG7):c.1146T>G (p.Ile382Met)

Gene: SPG7 (SPG7 matrix AAA peptidase subunit, paraplegin; plus strand). Cytogenetic location: 16q24.3.
Variant type: single nucleotide variant.
Coding change: c.1146T>G on transcript NM_003119.4 (MANE Select); coding-DNA position 1146, T replaced by G.
Protein change: p.Ile382Met; replaces isoleucine 382 with methionine.
Molecular consequence: missense variant.
Genome position (GRCh38, 1-based): chr16:89,532,062, T>G. VCF-style: chr16-89532062-T-G. GRCh37 (hg19) VCF-style: chr16-89598470-T-G.
Other names: c.1146T>G, p.Ile382Met (NM_001363850.1, NM_199367.3); short protein forms I382M.
Identifiers: ClinVar variation 3343421 (VCV003343421.1).

ClinVar aggregate classification (germline): Uncertain significance (1 of 4 stars; one submission).

Submission:

GeneDx
Classification: Uncertain significance. Last evaluated: 2023-05-15. Review status: criteria provided, single submitter. Criteria: GeneDx Variant Classification Process June 2021. Collection method: clinical testing. Allele origin: germline. Affected: yes.
Comment: Not observed at significant frequency in large population cohorts (gnomAD); In silico analysis supports that this missense variant has a deleterious effect on protein structure/function; Has not been previously published as pathogenic or benign to our knowledge